The following is an entry in ClinVar:

ClinVar aggregate classification (germline): Uncertain significance. Review status: criteria provided, multiple submitters, no conflicts (2 of 4 stars). 2 submissions from 2 submitters: Uncertain significance (2). Last evaluated 2023-05-18.

Conditions:
Familial adenomatous polyposis 1 (FAP1). Also called: POLYPOSIS, ADENOMATOUS INTESTINAL; FAMILIAL ADENOMATOUS POLYPOSIS 1, ATTENUATED. Identifiers: MedGen C2713442, MONDO:0021056, OMIM 175100. Disease mechanism: loss of function.

Submissions (2):

Baylor Genetics
Classification: Uncertain significance for Familial adenomatous polyposis 1. Last evaluated: 2023-05-18. Review status: criteria provided, single submitter. Criteria: ACMG Guidelines, 2015. Collection method: clinical testing. Allele origin: unknown.

Labcorp Genetics (formerly Invitae), Labcorp
Classification: Uncertain significance for Familial adenomatous polyposis 1. Last evaluated: 2022-07-25. Review status: criteria provided, single submitter. Criteria: Invitae Variant Classification Sherloc (09022015). Collection method: clinical testing. Allele origin: germline.
Comment: In summary, the available evidence is currently insufficient to determine the role of this variant in disease. Therefore, it has been classified as a Variant of Uncertain Significance. Algorithms developed to predict the effect of missense changes on protein structure and function (SIFT, PolyPhen-2, Align-GVGD) all suggest that this variant is likely to be tolerated. This variant has not been reported in the literature in individuals affected with APC-related conditions. This variant is not present in population databases (gnomAD no frequency). This sequence change replaces lysine, which is basic and polar, with arginine, which is basic and polar, at codon 1893 of the APC protein (p.Lys1893Arg).

NM_000038.6(APC):c.5678A>G (p.Lys1893Arg)

Gene: APC (APC regulator of Wnt signaling pathway; plus strand). Cytogenetic location: 5q22.2.
Variant type: single nucleotide variant.
Coding change: c.5678A>G on transcript NM_000038.6 (MANE Select); coding-DNA position 5678, A replaced by G.
Protein change: p.Lys1893Arg; replaces lysine 1893 with arginine.
Molecular consequence: missense variant.
Genome position (GRCh38, 1-based): chr5:112,841,272, A>G. VCF-style: chr5-112841272-A-G. GRCh37 (hg19) VCF-style: chr5-112176969-A-G.
Other names: c.4526A>G, p.Lys1509Arg (NM_001407471.1, NM_001407472.1); c.5678A>G, p.Lys1893Arg (NM_001127510.3, NM_001354895.2, NM_001407450.1); c.5624A>G, p.Lys1875Arg (NM_001127511.3); c.5732A>G, p.Lys1911Arg (NM_001354896.2, NM_001407447.1, NM_001407448.1 and 1 more transcripts); c.5708A>G, p.Lys1903Arg (NM_001354897.2); c.5603A>G, p.Lys1868Arg (NM_001354898.2); c.5594A>G, p.Lys1865Arg (NM_001354899.2); c.5555A>G, p.Lys1852Arg (NM_001354900.2); and 11 more; short protein forms K1509R, K1610R, K1733R, K1764R, K1767R, K1792R, K1802R, K1810R.
Identifiers: ClinVar variation 1713720 (VCV001713720.7), dbSNP rs2149946293, ClinGen allele CA16033764.